The following is an entry in ClinVar:

ClinVar aggregate classification (germline): Uncertain significance (1 of 4 stars; one submission).

Conditions:
Gorlin syndrome. Also called: Nevoid Basal Cell Carcinoma Syndrome; Basal cell nevus syndrome. Identifiers: Orphanet 377, MedGen C0004779, MONDO:0007187.

Submission:

Labcorp Genetics (formerly Invitae), Labcorp
Classification: Uncertain significance for Gorlin syndrome. Last evaluated: 2025-11-05. Review status: criteria provided, single submitter. Criteria: Invitae Variant Classification Sherloc (09022015). Collection method: clinical testing. Allele origin: germline.
Comment: This sequence change replaces glycine, which is neutral and non-polar, with glutamic acid, which is acidic and polar, at codon 148 of the PTCH1 protein (p.Gly148Glu). This variant is not present in population databases (gnomAD no frequency). This variant has not been reported in the literature in individuals affected with PTCH1-related conditions. Invitae Evidence Modeling of protein sequence and biophysical properties (such as structural, functional, and spatial information, amino acid conservation, physicochemical variation, residue mobility, and thermodynamic stability) has been performed for this missense variant. However, the output from this modeling did not meet the statistical confidence thresholds required to predict the impact of this variant on PTCH1 protein function. In summary, the available evidence is currently insufficient to determine the role of this variant in disease. Therefore, it has been classified as a Variant of Uncertain Significance.

NM_000264.5(PTCH1):c.443G>A (p.Gly148Glu)

Gene: PTCH1 (patched 1; minus strand). Cytogenetic location: 9q22.32.
Variant type: single nucleotide variant.
Coding change: c.443G>A on transcript NM_000264.5 (MANE Select); coding-DNA position 443, G replaced by A.
Protein change: p.Gly148Glu; replaces glycine 148 with glutamic acid.
Molecular consequence: missense variant. On other transcripts: 5 prime UTR variant (4), non-coding transcript variant (1).
Genome position (GRCh38, 1-based): chr9:95,485,826, C>T on the plus strand (G>A on the coding strand, the complement: PTCH1 is on the minus strand). VCF-style: chr9-95485826-C-T. GRCh37 (hg19) VCF-style: chr9-98248108-C-T.
Other names: c.245G>A, p.Gly82Glu (NM_001083602.3, NM_001354919.2); c.440G>A, p.Gly147Glu (NM_001083603.3); c.-11G>A (NM_001083604.3, NM_001083605.3, NM_001083606.3 and 1 more transcripts); c.443G>A, p.Gly148Glu (NM_001354918.2); short protein forms G147E, G148E, G82E.
Identifiers: ClinVar variation 4801810 (VCV004801810.1).